The following is an entry in ClinVar:

ClinVar aggregate classification (germline): Conflicting classifications of pathogenicity. Review status: criteria provided, conflicting classifications (1 of 4 stars). 4 submissions from 4 submitters: Uncertain significance (1); Likely benign (3). Last evaluated 2025-09-20.

Conditions:
CENPF-related disorder. Also called: CENPF-related condition.
Inborn genetic diseases. Identifiers: MedGen C0950123, MeSH D030342.

Allele frequency attached by ClinVar (database versions not stated): gnomAD exomes 0.00010 and 0.00030; ExAC 0.00041; gnomAD 0.00139 and 0.00150; TOPMed 0.00164; ESP Exome Variant Server 0.00169; 1000 Genomes Project 0.00180; 1000 Genomes Project 30x 0.00203.
gnomAD v4.1: 353 of 1,614,046 alleles (0.022%); highest among the groups gnomAD compares: African/African-American, 0.45%; 4 homozygotes.

Submissions (4):

PreventionGenetics, part of Exact Sciences
Classification: Likely benign for CENPF-related condition. Last evaluated: 2025-09-20. Review status: criteria provided, single submitter. Criteria: ACMG Guidelines, 2015. Collection method: clinical testing. Allele origin: germline.
Comment: This variant is classified as likely benign based on ACMG/AMP sequence variant interpretation guidelines (Richards et al. 2015 PMID: 25741868, with internal and published modifications).

Labcorp Genetics (formerly Invitae), Labcorp
Classification: Likely benign. Last evaluated: 2025-06-03. Review status: criteria provided, single submitter. Criteria: Invitae Variant Classification Sherloc (09022015). Collection method: clinical testing. Allele origin: germline.

Ambry Genetics
Classification: Uncertain significance for Inborn genetic diseases. Last evaluated: 2021-08-02. Review status: criteria provided, single submitter. Criteria: Ambry Variant Classification Scheme 2023. Collection method: clinical testing. Allele origin: germline.

GeneDx
Classification: Likely benign. Last evaluated: 2021-04-19. Review status: criteria provided, single submitter. Criteria: GeneDx Variant Classification Process June 2021. Collection method: clinical testing. Allele origin: germline. Affected: yes.

NM_016343.4(CENPF):c.7326G>A (p.Met2442Ile)

Gene: CENPF (centromere protein F; plus strand). Cytogenetic location: 1q41.
Variant type: single nucleotide variant.
Coding change: c.7326G>A on transcript NM_016343.4 (MANE Select); coding-DNA position 7326, G replaced by A.
Protein change: p.Met2442Ile; replaces methionine 2442 with isoleucine.
Molecular consequence: missense variant.
Genome position (GRCh38, 1-based): chr1:214,646,896, G>A. VCF-style: chr1-214646896-G-A. GRCh37 (hg19) VCF-style: chr1-214820239-G-A.
Other names: short protein forms M2442I.
Identifiers: ClinVar variation 775669 (VCV000775669.12), dbSNP rs75093097, ClinGen allele CA1391098.